The following is an entry in ClinVar:

ClinVar aggregate classification (germline): Uncertain significance. Review status: criteria provided, multiple submitters, no conflicts (2 of 4 stars). 3 submissions from 3 submitters: Uncertain significance (2). 1 of the submissions does not count toward it. Last evaluated 2024-05-02.

Conditions:
PIEZO1-related disorder. Also called: PIEZO1-related condition; PIEZO1-Related Disorders.
Inborn genetic diseases. Identifiers: MedGen C0950123, MeSH D030342.

Allele frequency attached by ClinVar (database versions not stated): gnomAD 0.00001.
gnomAD v4.1: 25 of 1,547,710 alleles (0.0016%); highest among the groups gnomAD compares: Middle Eastern, 0.05%; no homozygotes.

Submissions (3):

Ambry Genetics
Classification: Uncertain significance for Inborn genetic diseases. Last evaluated: 2024-05-02. Review status: criteria provided, single submitter. Criteria: Ambry Variant Classification Scheme 2023. Collection method: clinical testing. Allele origin: germline.

ARUP Laboratories, Molecular Genetics and Genomics, ARUP Laboratories
Classification: Uncertain significance. Last evaluated: 2021-04-30. Review status: criteria provided, single submitter. Criteria: ARUP Molecular Germline Variant Investigation Process 2021. Collection method: clinical testing. Allele origin: germline.

PreventionGenetics, part of Exact Sciences
Classification: Uncertain significance for PIEZO1-related condition. Last evaluated: 2024-04-02. Review status: no assertion criteria provided. Collection method: clinical testing. Allele origin: germline. Not counted in ClinVar's aggregate classification.
Comment: The PIEZO1 c.6892G>A variant is predicted to result in the amino acid substitution p.Asp2298Asn. To our knowledge, this variant has not been reported in the literature. This variant is reported in 0.0066% of alleles in individuals of European (Finnish) descent in gnomAD. At this time, the clinical significance of this variant is uncertain due to the absence of conclusive functional and genetic evidence.

NM_001142864.4(PIEZO1):c.6892G>A (p.Asp2298Asn)

Gene: PIEZO1 (piezo type mechanosensitive ion channel component 1 (Er blood group); minus strand). Cytogenetic location: 16q24.3.
Variant type: single nucleotide variant.
Coding change: c.6892G>A on transcript NM_001142864.4 (MANE Select); coding-DNA position 6892, G replaced by A.
Protein change: p.Asp2298Asn; replaces aspartic acid 2298 with asparagine.
Molecular consequence: missense variant.
Genome position (GRCh38, 1-based): chr16:88,716,593, C>T on the plus strand (G>A on the coding strand, the complement: PIEZO1 is on the minus strand). VCF-style: chr16-88716593-C-T. GRCh37 (hg19) VCF-style: chr16-88783001-C-T.
Other names: c.6892G>A (NM_001142864.3, NM_001142864.2); short protein forms D2298N.
Identifiers: ClinVar variation 1330765 (VCV001330765.10), dbSNP rs760099159, ClinGen allele CA286406585.